The following is an entry in ClinVar:

NM_017837.4(PIGV):c.1085A>G (p.Lys362Arg)

Gene: PIGV (phosphatidylinositol glycan anchor biosynthesis class V; plus strand). Cytogenetic location: 1p36.11.
Variant type: single nucleotide variant.
Coding change: c.1085A>G on transcript NM_017837.4 (MANE Select); coding-DNA position 1085, A replaced by G.
Protein change: p.Lys362Arg; replaces lysine 362 with arginine.
Molecular consequence: missense variant. On other transcripts: non-coding transcript variant (1), intron variant (1).
Genome position (GRCh38, 1-based): chr1:26,795,119, A>G. VCF-style: chr1-26795119-A-G. GRCh37 (hg19) VCF-style: chr1-27121610-A-G.
Other names: c.1085A>G, p.Lys362Arg (NM_001202554.2, NM_001374478.1, NM_001374480.1 and 2 more transcripts); c.704A>G, p.Lys235Arg (NM_001374483.1); c.458A>G, p.Lys153Arg (NM_001374484.1, NM_001374485.1); c.79-2444A>G (NM_001374486.1); short protein forms K153R, K362R, K235R.
Identifiers: ClinVar variation 1956554 (VCV001956554.5), dbSNP rs1570644661, ClinGen allele CA339201745.

ClinVar aggregate classification (germline): Uncertain significance (1 of 4 stars; one submission).

Allele frequency attached by ClinVar (database versions not stated): gnomAD 0.00001.
gnomAD v4.1: 2 of 1,614,152 alleles (0.00012%); highest among the groups gnomAD compares: East Asian, 0.0022%; no homozygotes.

Submission:

Labcorp Genetics (formerly Invitae), Labcorp
Classification: Uncertain significance. Last evaluated: 2022-01-16. Review status: criteria provided, single submitter. Criteria: Invitae Variant Classification Sherloc (09022015). Collection method: clinical testing. Allele origin: germline.
Comment: Algorithms developed to predict the effect of missense changes on protein structure and function output the following: SIFT: "Tolerated"; PolyPhen-2: "Benign"; Align-GVGD: "Class C0". The arginine amino acid residue is found in multiple mammalian species, which suggests that this missense change does not adversely affect protein function. In summary, the available evidence is currently insufficient to determine the role of this variant in disease. Therefore, it has been classified as a Variant of Uncertain Significance. This variant has not been reported in the literature in individuals affected with PIGV-related conditions. This variant is not present in population databases (gnomAD no frequency). This sequence change replaces lysine, which is basic and polar, with arginine, which is basic and polar, at codon 362 of the PIGV protein (p.Lys362Arg).